The following is an entry in ClinVar:

NM_001368894.2(PAX6):c.173A>G (p.Asp58Gly)

Gene: PAX6 (paired box 6; minus strand). Cytogenetic location: 11p13.
Variant type: single nucleotide variant.
Coding change: c.173A>G on transcript NM_001368894.2 (MANE Select); coding-DNA position 173, A replaced by G.
Protein change: p.Asp58Gly; replaces aspartic acid 58 with glycine.
Molecular consequence: missense variant. On other transcripts: 5 prime UTR variant (7), non-coding transcript variant (1), intron variant (23).
Genome position (GRCh38, 1-based): chr11:31,801,881, T>C on the plus strand (A>G on the coding strand, the complement: PAX6 is on the minus strand). VCF-style: chr11-31801881-T-C. GRCh37 (hg19) VCF-style: chr11-31823429-T-C.
Other names: c.173A>G, p.Asp58Gly (NM_001258462.3, NM_001258463.2, NM_001310158.2 and 13 more transcripts); c.-609A>G (NM_001310160.2, NM_001368905.2); c.-278A>G (NM_001310161.3, NM_001368900.2, NM_001368903.2 and 2 more transcripts); c.176A>G, p.Asp59Gly (NM_001368911.2); c.248A>G, p.Asp83Gly (NM_001368918.2, NM_001368919.2); c.142-105A>G (NM_001127612.3, NM_001368890.2, NM_001368888.2 and 11 more transcripts); c.385-105A>G (NM_001368910.2); c.-267-105A>G (NM_001368909.2, NM_001368904.2, NM_001368906.2 and 3 more transcripts); and 2 more; short protein forms D58G, D59G, D83G.
Identifiers: ClinVar variation 3045361 (VCV003045361.2), dbSNP rs375526613, ClinGen allele CA5933946.
Genomic context (GRCh38, chr11:31,801,881, plus strand): 5'-AAGACAAAAATAAAATTGTTTAAGTATGCATTAAACAATGACAAGCTTACGTTTTGATTG[T>C]CCAGCACTTGGACTTTTGCATCTGCATGGGTCTATAACACAAAAATATACCTTCAATGGT-3'
Protein context (NP_001355823.1, residues 48-68): THADAKVQVL[Asp58Gly]NQNVSNGCVS

ClinVar aggregate classification (germline): Uncertain significance (0 of 4 stars; one submission).

Conditions:
PAX6-related disorder. Also called: PAX6-related disorders; PAX6-related condition.

Allele frequency attached by ClinVar (database versions not stated): ExAC 0.00001; gnomAD 0.00001; TOPMed 0.00001; gnomAD exomes 0.00005; ESP Exome Variant Server 0.00008.
gnomAD v4.1: 65 of 1,614,042 alleles (0.004%); highest among the groups gnomAD compares: Non-Finnish European, 0.0054%; no homozygotes.

Submission:

PreventionGenetics, part of Exact Sciences
Classification: Uncertain significance for PAX6-related condition. Last evaluated: 2023-12-26. Review status: no assertion criteria provided. Collection method: clinical testing. Allele origin: germline.
Comment: The PAX6 c.173A>G variant is predicted to result in the amino acid substitution p.Asp58Gly. To our knowledge, this variant has not been reported in the literature. This variant is reported in 0.0026% of alleles in individuals of European (Non-Finnish) descent in gnomAD. At this time, the clinical significance of this variant is uncertain due to the absence of conclusive functional and genetic evidence.